The following is an entry in ClinVar:

ClinVar aggregate classification (germline): Likely benign. Review status: criteria provided, single submitter (1 of 4 stars). 2 submissions from 2 submitters: Likely benign (1). 1 of the submissions does not count toward it. Last evaluated 2018-07-06.

Conditions:
SEMA5A-related disorder. Also called: SEMA5A-related condition.

Allele frequency attached by ClinVar (database versions not stated): TOPMed 0.00006; gnomAD 0.00011 and 0.00012.
gnomAD v4.1: 38 of 1,613,526 alleles (0.0024%); highest among the groups gnomAD compares: East Asian, 0.011%; no homozygotes.

Submissions (2):

Labcorp Genetics (formerly Invitae), Labcorp
Classification: Likely benign. Last evaluated: 2018-07-06. Review status: criteria provided, single submitter. Criteria: Invitae Variant Classification Sherloc (09022015). Collection method: clinical testing. Allele origin: germline.

PreventionGenetics, part of Exact Sciences
Classification: Likely benign for SEMA5A-related condition. Last evaluated: 2019-07-09. Review status: no assertion criteria provided. Collection method: clinical testing. Allele origin: germline. Not counted in ClinVar's aggregate classification.
Comment: This variant is classified as likely benign based on ACMG/AMP sequence variant interpretation guidelines (Richards et al. 2015 PMID: 25741868, with internal and published modifications).

NM_003966.3(SEMA5A):c.1095C>T (p.Tyr365=)

Gene: SEMA5A (semaphorin 5A; minus strand). Cytogenetic location: 5p15.31.
Variant type: single nucleotide variant.
Coding change: c.1095C>T on transcript NM_003966.3 (MANE Select); coding-DNA position 1095, C replaced by T.
Protein change: p.Tyr365=; no amino-acid change (tyrosine 365 retained).
Molecular consequence: synonymous variant.
Genome position (GRCh38, 1-based): chr5:9,190,445, G>A on the plus strand (C>T on the coding strand, the complement: SEMA5A is on the minus strand). VCF-style: chr5-9190445-G-A. GRCh37 (hg19) VCF-style: chr5-9190557-G-A.
Identifiers: ClinVar variation 756309 (VCV000756309.5), dbSNP rs750122183, ClinGen allele CA3196876.